The following is an entry in ClinVar:

NM_002474.3(MYH11):c.4882G>C (p.Asp1628His)

Genes: NDE1 (nudE neurodevelopment protein 1; plus strand), MYH11 (myosin heavy chain 11; minus strand). Cytogenetic location: 16p13.11.
Variant type: single nucleotide variant.
Coding change: c.4882G>C on transcript NM_002474.3 (MANE Select); coding-DNA position 4882, G replaced by C.
Protein change: p.Asp1628His; replaces aspartic acid 1628 with histidine.
Molecular consequence: missense variant. On other transcripts: intron variant (2).
Genome position (GRCh38, 1-based): chr16:15,720,222, C>G on the plus strand (G>C on the coding strand, the complement: MYH11 is on the minus strand). VCF-style: chr16-15720222-C-G. GRCh37 (hg19) VCF-style: chr16-15814079-C-G.
Other names: c.4903G>C, p.Asp1635His (NM_001040113.2, NM_001040114.2); c.4882G>C, p.Asp1628His (NM_022844.3); c.948-3969C>G (NM_001143979.2, NM_017668.3); short protein forms D1628H, D1635H.
Identifiers: ClinVar variation 4756412 (VCV004756412.1).
Genomic context (GRCh38, chr16:15,720,222, plus strand): 5'-GTAGCTGCTTGATGGCTTCCTCCCTCCCCTTGATGGCAGAGTCGGCCTGAAGCTCCAGGT[C>G]TTTCAGGTCCCCTTCCAGCTTCTTCTTTGCTGCAGCTGCCAGGGCACGTTGCTTTCGCTC-3'
Protein context (NP_002465.1, residues 1618-1638): AKKKLEGDLK[Asp1628His]LELQADSAIK

ClinVar aggregate classification (germline): Uncertain significance (1 of 4 stars; one submission).

Conditions:
Familial thoracic aortic aneurysm and aortic dissection (TAAD). Also called: Thoracic aortic aneurysms and dissections. Identifiers: Orphanet 91387, MedGen C4707243, MONDO:0019625.

Submission:

Color Diagnostics, LLC DBA Color Health
Classification: Uncertain significance for Familial thoracic aortic aneurysm and aortic dissection. Last evaluated: 2025-09-05. Review status: criteria provided, single submitter. Criteria: ACMG Guidelines, 2015. Collection method: clinical testing. Allele origin: germline.
Comment: This missense variant replaces aspartic acid with histidine at codon 1635 of the MYH11 protein. Computational prediction suggests that this variant may have deleterious impact on protein structure and function. To our knowledge, functional studies have not been reported for this variant. This variant has not been reported in individuals affected with MYH11-related disorders in the literature. This variant has not been identified in the general population by the Genome Aggregation Database (gnomAD). The available evidence is insufficient to determine the role of this variant in disease conclusively. Therefore, this variant is classified as a Variant of Uncertain Significance.